The following is an entry in ClinVar:

ClinVar aggregate classification (germline): Pathogenic (1 of 4 stars; one submission).

Allele frequency attached by ClinVar (database versions not stated): gnomAD exomes below 0.00001; TOPMed 0.00001.
gnomAD v4.1: 2 of 1,613,902 alleles (0.00012%); highest among the groups gnomAD compares: Non-Finnish European, 0.00017%; no homozygotes.

Submission:

Labcorp Genetics (formerly Invitae), Labcorp
Classification: Pathogenic. Last evaluated: 2024-02-29. Review status: criteria provided, single submitter. Criteria: Invitae Variant Classification Sherloc (09022015). Collection method: clinical testing. Allele origin: germline.
Comment: This sequence change creates a premature translational stop signal (p.Gln1411*) in the TTC37 gene. It is expected to result in an absent or disrupted protein product. Loss-of-function variants in TTC37 are known to be pathogenic (PMID: 20176027, 21120949). This variant is not present in population databases (gnomAD no frequency). This variant has not been reported in the literature in individuals affected with TTC37-related conditions. For these reasons, this variant has been classified as Pathogenic.

Literature cited by the submitters: PubMed 20176027; PubMed 21120949.

NM_014639.4(SKIC3):c.4231C>T (p.Gln1411Ter)

Gene: SKIC3 (SKI3 subunit of superkiller complex; minus strand). Cytogenetic location: 5q15.
Variant type: single nucleotide variant.
Coding change: c.4231C>T on transcript NM_014639.4 (MANE Select); coding-DNA position 4231, C replaced by T.
Protein change: p.Gln1411Ter; replaces glutamine 1411 with a stop codon.
Molecular consequence: nonsense.
Genome position (GRCh38, 1-based): chr5:95,478,424, G>A on the plus strand (C>T on the coding strand, the complement: SKIC3 is on the minus strand). VCF-style: chr5-95478424-G-A. GRCh37 (hg19) VCF-style: chr5-94814128-G-A.
Other names: short protein forms Q1411*.
Identifiers: ClinVar variation 2868065 (VCV002868065.3), dbSNP rs1746314040, ClinGen allele CA360443099.